The following is an entry in ClinVar:

NM_004408.4(DNM1):c.2350C>G (p.Arg784Gly)

Genes: DNM1 (dynamin 1; plus strand), LOC130002698 (ATAC-STARR-seq lymphoblastoid silent region 20332; plus strand). Cytogenetic location: 9q34.11.
Variant type: single nucleotide variant.
Coding change: c.2350C>G on transcript NM_004408.4 (MANE Select); coding-DNA position 2350, C replaced by G.
Protein change: p.Arg784Gly; replaces arginine 784 with glycine.
Molecular consequence: missense variant.
Genome position (GRCh38, 1-based): chr9:128,250,756, C>G. VCF-style: chr9-128250756-C-G. GRCh37 (hg19) VCF-style: chr9-131013035-C-G.
Other names: c.2350C>G, p.Arg784Gly (NM_001005336.3, NM_001288737.2, NM_001288738.2 and 2 more transcripts); short protein forms R784G.
Identifiers: ClinVar variation 2005395 (VCV002005395.4), dbSNP rs2539127619, ClinGen allele CA375001502.

ClinVar aggregate classification (germline): Uncertain significance (1 of 4 stars; one submission).

Conditions:
Developmental and epileptic encephalopathy, 31A. Also called: Developmental and epileptic encephalopathy, 31; Epileptic encephalopathy, early infantile, 31. Identifiers: Orphanet 2382, MedGen C4225357, MONDO:0014598, OMIM 616346.

Allele frequency attached by ClinVar (database versions not stated): gnomAD exomes below 0.00001.
gnomAD v4.1: 1 of 1,425,954 alleles (0.00007%); highest among the groups gnomAD compares: Non-Finnish European, 0.000091%; no homozygotes.

Submission:

Labcorp Genetics (formerly Invitae), Labcorp
Classification: Uncertain significance for Developmental and epileptic encephalopathy, 31A. Last evaluated: 2022-09-23. Review status: criteria provided, single submitter. Criteria: Invitae Variant Classification Sherloc (09022015). Collection method: clinical testing. Allele origin: germline.
Comment: This sequence change replaces arginine, which is basic and polar, with glycine, which is neutral and non-polar, at codon 784 of the DNM1 protein (p.Arg784Gly). This variant is not present in population databases (gnomAD no frequency). This variant has not been reported in the literature in individuals affected with DNM1-related conditions. Advanced modeling of protein sequence and biophysical properties (such as structural, functional, and spatial information, amino acid conservation, physicochemical variation, residue mobility, and thermodynamic stability) has been performed at Invitae for this missense variant, however the output from this modeling did not meet the statistical confidence thresholds required to predict the impact of this variant on DNM1 protein function. In summary, the available evidence is currently insufficient to determine the role of this variant in disease. Therefore, it has been classified as a Variant of Uncertain Significance.